The following is an entry in ClinVar:

ClinVar aggregate classification (germline): Uncertain significance. Review status: criteria provided, multiple submitters, no conflicts (2 of 4 stars). 2 submissions from 2 submitters: Uncertain significance (2). Last evaluated 2025-08-07.

Conditions:
Inborn genetic diseases. Identifiers: MedGen C0950123, MeSH D030342.

gnomAD v4.1: 6 of 1,614,232 alleles (0.00037%); highest among the groups gnomAD compares: African/African-American, 0.0027%; no homozygotes.

Submissions (2):

Ambry Genetics
Classification: Uncertain significance for Inborn genetic diseases. Last evaluated: 2025-08-07. Review status: criteria provided, single submitter. Criteria: Ambry Variant Classification Scheme 2023. Collection method: clinical testing. Allele origin: germline.

Labcorp Genetics (formerly Invitae), Labcorp
Classification: Uncertain significance. Last evaluated: 2023-05-15. Review status: criteria provided, single submitter. Criteria: Invitae Variant Classification Sherloc (09022015). Collection method: clinical testing. Allele origin: germline.
Comment: This variant has not been reported in the literature in individuals affected with PCNT-related conditions. This sequence change replaces lysine, which is basic and polar, with asparagine, which is neutral and polar, at codon 2575 of the PCNT protein (p.Lys2575Asn). This variant is not present in population databases (gnomAD no frequency). An algorithm developed to predict the effect of missense changes on protein structure and function (PolyPhen-2) suggests that this variant is likely to be disruptive. In summary, the available evidence is currently insufficient to determine the role of this variant in disease. Therefore, it has been classified as a Variant of Uncertain Significance.

NM_006031.6(PCNT):c.7725G>C (p.Lys2575Asn)

Gene: PCNT (pericentrin; plus strand). Cytogenetic location: 21q22.3.
Variant type: single nucleotide variant.
Coding change: c.7725G>C on transcript NM_006031.6 (MANE Select); coding-DNA position 7725, G replaced by C.
Protein change: p.Lys2575Asn; replaces lysine 2575 with asparagine.
Molecular consequence: missense variant.
Genome position (GRCh38, 1-based): chr21:46,430,044, G>C. VCF-style: chr21-46430044-G-C. GRCh37 (hg19) VCF-style: chr21-47849958-G-C.
Other names: c.7725G>C (NM_006031.5); c.7371G>C, p.Lys2457Asn (NM_001315529.2); short protein forms K2457N, K2575N.
Identifiers: ClinVar variation 2988190 (VCV002988190.4), dbSNP rs2518989377, ClinGen allele CA410571425.